The following is an entry in ClinVar:

ClinVar aggregate classification (germline): Uncertain significance. Review status: criteria provided, multiple submitters, no conflicts (2 of 4 stars). 3 submissions from 3 submitters: Uncertain significance (3). Last evaluated 2025-04-12.

Conditions:
Hereditary cancer-predisposing syndrome. Also called: Neoplastic Syndromes, Hereditary; Tumor predisposition; Hereditary neoplastic syndrome; Hereditary Cancer Syndrome. Identifiers: Orphanet 140162, MedGen C0027672, MeSH D009386, MONDO:0015356.

Submissions (3):

Ambry Genetics
Classification: Uncertain significance for Hereditary cancer-predisposing syndrome. Last evaluated: 2025-04-12. Review status: criteria provided, single submitter. Criteria: Ambry Variant Classification Scheme 2023. Collection method: clinical testing. Allele origin: germline.
Comment: The p.D310A variant (also known as c.929A>C), located in coding exon 10 of the RAD51D gene, results from an A to C substitution at nucleotide position 929. The aspartic acid at codon 310 is replaced by alanine, an amino acid with dissimilar properties. This amino acid position is conserved. In addition, this alteration is predicted to be tolerated by in silico analysis. Based on the available evidence, the clinical significance of this variant remains unclear.

Color Diagnostics, LLC DBA Color Health
Classification: Uncertain significance for Hereditary cancer-predisposing syndrome. Last evaluated: 2023-12-04. Review status: criteria provided, single submitter. Criteria: ACMG Guidelines, 2015. Collection method: clinical testing. Allele origin: germline.
Comment: This missense variant replaces aspartic acid with alanine at codon 310 of the RAD51D protein. Computational prediction suggests that this variant may not impact protein structure and function (internally defined REVEL score threshold <= 0.5, PMID: 27666373). To our knowledge, functional studies have not been reported for this variant. This variant has not been reported in individuals affected with RAD51D-related disorders in the literature. This variant has not been identified in the general population by the Genome Aggregation Database (gnomAD). The available evidence is insufficient to determine the role of this variant in disease conclusively. Therefore, this variant is classified as a Variant of Uncertain Significance.

Revvity Omics, Revvity
Classification: Uncertain significance. Last evaluated: 2023-02-13. Review status: criteria provided, single submitter. Criteria: ACMG Guidelines, 2015. Collection method: clinical testing. Allele origin: germline.

NM_002878.4(RAD51D):c.929A>C (p.Asp310Ala)

Genes: RAD51L3-RFFL (RAD51L3-RFFL readthrough; minus strand), RAD51D (RAD51 paralog D; minus strand). Cytogenetic location: 17q12.
Variant type: single nucleotide variant.
Coding change: c.929A>C on transcript NM_002878.4 (MANE Select); coding-DNA position 929, A replaced by C.
Protein change: p.Asp310Ala; replaces aspartic acid 310 with alanine.
Molecular consequence: missense variant. On other transcripts: non-coding transcript variant (2).
Genome position (GRCh38, 1-based): chr17:35,101,011, T>G on the plus strand (A>C on the coding strand, the complement: RAD51D is on the minus strand). VCF-style: chr17-35101011-T-G. GRCh37 (hg19) VCF-style: chr17-33428030-T-G.
Other names: c.989A>C, p.Asp330Ala (NM_001142571.2); c.593A>C, p.Asp198Ala (NM_133629.3); short protein forms D310A, D198A, D330A.
Identifiers: ClinVar variation 322624 (VCV000322624.9), dbSNP rs886052818, ClinGen allele CA10639370.